The following is an entry in ClinVar:

ClinVar aggregate classification (germline): Uncertain significance (1 of 4 stars; one submission).

Submission:

Labcorp Genetics (formerly Invitae), Labcorp
Classification: Uncertain significance. Last evaluated: 2021-07-04. Review status: criteria provided, single submitter. Criteria: Invitae Variant Classification Sherloc (09022015). Collection method: clinical testing. Allele origin: germline.
Comment: In summary, the available evidence is currently insufficient to determine the role of this variant in disease. Therefore, it has been classified as a Variant of Uncertain Significance. Algorithms developed to predict the effect of missense changes on protein structure and function output the following: SIFT: "Deleterious"; PolyPhen-2: "Benign"; Align-GVGD: "Class C0". The asparagine amino acid residue is found in multiple mammalian species, which suggests that this missense change does not adversely affect protein function. This variant has not been reported in the literature in individuals affected with GPAA1-related conditions. This variant is not present in population databases (ExAC no frequency). This sequence change replaces serine with asparagine at codon 228 of the GPAA1 protein (p.Ser228Asn). The serine residue is highly conserved and there is a small physicochemical difference between serine and asparagine.

NM_003801.4(GPAA1):c.683G>A (p.Ser228Asn)

Gene: GPAA1 (glycosylphosphatidylinositol anchor attachment 1; plus strand). Cytogenetic location: 8q24.3.
Variant type: single nucleotide variant.
Coding change: c.683G>A on transcript NM_003801.4 (MANE Select); coding-DNA position 683, G replaced by A.
Protein change: p.Ser228Asn; replaces serine 228 with asparagine.
Molecular consequence: missense variant.
Genome position (GRCh38, 1-based): chr8:144,084,200, G>A. VCF-style: chr8-144084200-G-A. GRCh37 (hg19) VCF-style: chr8-145139103-G-A.
Other names: short protein forms S228N.
Identifiers: ClinVar variation 1361882 (VCV001361882.7), dbSNP rs1206507302, ClinGen allele CA372600251.